The following is an entry in ClinVar:

NM_001429.4(EP300):c.2534C>A (p.Thr845Asn)

Gene: EP300 (EP300 lysine acetyltransferase; plus strand). Cytogenetic location: 22q13.2.
Variant type: single nucleotide variant.
Coding change: c.2534C>A on transcript NM_001429.4 (MANE Select); coding-DNA position 2534, C replaced by A.
Protein change: p.Thr845Asn; replaces threonine 845 with asparagine.
Molecular consequence: missense variant.
Genome position (GRCh38, 1-based): chr22:41,149,915, C>A. VCF-style: chr22-41149915-C-A. GRCh37 (hg19) VCF-style: chr22-41545919-C-A.
Other names: c.2456C>A, p.Thr819Asn (NM_001362843.2); short protein forms T845N, T819N.
Identifiers: ClinVar variation 4983032 (VCV004983032.1).

ClinVar aggregate classification (germline): Uncertain significance (1 of 4 stars; one submission).

Conditions:
EP300-related disorder. Also called: EP300-related condition; EP300-related disorders.

gnomAD v4.1: 1 of 1,613,756 alleles (0.000062%); highest among the groups gnomAD compares: Non-Finnish European, 0.000085%; no homozygotes.

Submission:

PreventionGenetics, part of Exact Sciences
Classification: Uncertain significance for EP300-related condition. Last evaluated: 2025-05-16. Review status: criteria provided, single submitter. Criteria: ACMG Guidelines, 2015. Collection method: clinical testing. Allele origin: germline.
Comment: The EP300 c.2534C>A variant is predicted to result in the amino acid substitution p.Thr845Asn. To our knowledge, this variant has not been reported in the literature. This variant is reported in 0.0018% of alleles in individuals of European (Non-Finnish) descent in gnomAD. At this time, the clinical significance of this variant is uncertain due to the absence of conclusive functional and genetic evidence.